The following is an entry in ClinVar:

NM_000051.4(ATM):c.614T>G (p.Leu205Ter)

Gene: ATM (ATM serine/threonine kinase; plus strand). Cytogenetic location: 11q22.3.
Variant type: single nucleotide variant.
Coding change: c.614T>G on transcript NM_000051.4 (MANE Select); coding-DNA position 614, T replaced by G.
Protein change: p.Leu205Ter; replaces leucine 205 with a stop codon.
Molecular consequence: nonsense.
Genome position (GRCh38, 1-based): chr11:108,244,070, T>G. VCF-style: chr11-108244070-T-G. GRCh37 (hg19) VCF-style: chr11-108114797-T-G.
Other names: c.614T>G, p.Leu205Ter (NM_001351834.2); short protein forms L205*.
Identifiers: ClinVar variation 966142 (VCV000966142.8), dbSNP rs2079705608, ClinGen allele CA382528226.

ClinVar aggregate classification (germline): Pathogenic. Review status: criteria provided, multiple submitters, no conflicts (2 of 4 stars). 2 submissions from 2 submitters: Pathogenic (2). Last evaluated 2026-02-18.

Conditions:
Ataxia-telangiectasia syndrome (AT). Also called: Ataxia-telangiectasia, complementation group E; Cerebello-oculocutaneous telangiectasia; Immunodeficiency with ataxia telangiectasia; Ataxia-telangiectasia, complementation group D; AT, COMPLEMENTATION GROUP C; ATAXIA-TELANGIECTASIA, COMPLEMENTATION GROUP A. Identifiers: Orphanet 100, MedGen C0004135, MONDO:0008840, OMIM 208900.

Submissions (2):

Dasa
Classification: Pathogenic. Last evaluated: 2026-02-18. Review status: criteria provided, single submitter. Criteria: DASA Assertion Criteria. Collection method: clinical testing. Allele origin: germline.
Comment: NM_000051.4(ATM):c.614T>G (p.Leu205Ter) introduces a premature termination codon predicted to result in loss of normal protein function. Loss-of-function is an established mechanism of disease for this gene. The affected residue or protein region has prior evidence supporting clinical relevance. The variant is present at low frequency in population datasets. Based on the available data, this variant is classified as pathogenic.

Labcorp Genetics (formerly Invitae), Labcorp
Classification: Pathogenic for Ataxia-telangiectasia syndrome. Last evaluated: 2022-02-17. Review status: criteria provided, single submitter. Criteria: Invitae Variant Classification Sherloc (09022015). Collection method: clinical testing. Allele origin: germline.
Comment: For these reasons, this variant has been classified as Pathogenic. ClinVar contains an entry for this variant (Variation ID: 966142). This variant has not been reported in the literature in individuals affected with ATM-related conditions. This variant is not present in population databases (gnomAD no frequency). This sequence change creates a premature translational stop signal (p.Leu205*) in the ATM gene. It is expected to result in an absent or disrupted protein product. Loss-of-function variants in ATM are known to be pathogenic (PMID: 23807571, 25614872).

Literature cited by the submitters: PubMed 23807571 (cited by Labcorp Genetics (formerly Invitae), Labcorp); PubMed 25614872 (cited by Labcorp Genetics (formerly Invitae), Labcorp).